The following is an entry in ClinVar:

NM_000038.6(APC):c.5621T>C (p.Leu1874Pro)

Gene: APC (APC regulator of Wnt signaling pathway; plus strand). Cytogenetic location: 5q22.2.
Variant type: single nucleotide variant.
Coding change: c.5621T>C on transcript NM_000038.6 (MANE Select); coding-DNA position 5621, T replaced by C.
Protein change: p.Leu1874Pro; replaces leucine 1874 with proline.
Molecular consequence: missense variant.
Genome position (GRCh38, 1-based): chr5:112,841,215, T>C. VCF-style: chr5-112841215-T-C. GRCh37 (hg19) VCF-style: chr5-112176912-T-C.
Other names: c.5621T>C, p.Leu1874Pro (NM_001127510.3, NM_001354895.2, NM_001407450.1); c.5567T>C, p.Leu1856Pro (NM_001127511.3); c.5675T>C, p.Leu1892Pro (NM_001354896.2, NM_001407447.1, NM_001407448.1 and 1 more transcripts); c.5651T>C, p.Leu1884Pro (NM_001354897.2); c.5546T>C, p.Leu1849Pro (NM_001354898.2); c.5537T>C, p.Leu1846Pro (NM_001354899.2); c.5498T>C, p.Leu1833Pro (NM_001354900.2); c.5444T>C, p.Leu1815Pro (NM_001354901.2, NM_001407453.1); and 11 more; short protein forms L1490P, L1846P, L1849P, L1864P, L1874P, L1591P, L1714P, L1783P.
Identifiers: ClinVar variation 1748706 (VCV001748706.5), dbSNP rs1765995038, ClinGen allele CA16033636.
Genomic context (GRCh38, chr5:112,841,215, plus strand): 5'-ACTGTTTTTCACGAAATGATTCTTTGAGTTCTCTAGATTTTGATGATGATGATGTTGACC[T>C]TTCCAGGGAAAAGGCTGAATTAAGAAAGGCAAAAGAAAATAAGGAATCAGAGGCTAAAGT-3'
Protein context (NP_000029.2, residues 1864-1884): SLDFDDDDVD[Leu1874Pro]SREKAELRKA

ClinVar aggregate classification (germline): Uncertain significance. Review status: criteria provided, multiple submitters, no conflicts (2 of 4 stars). 3 submissions from 3 submitters: Uncertain significance (3). Last evaluated 2024-10-20.

Conditions:
Hereditary cancer-predisposing syndrome. Also called: Hereditary Cancer Syndrome; Hereditary neoplastic syndrome; Neoplastic Syndromes, Hereditary; Tumor predisposition. Identifiers: Orphanet 140162, MedGen C0027672, MeSH D009386, MONDO:0015356.
Familial adenomatous polyposis 1 (FAP1). Also called: FAMILIAL ADENOMATOUS POLYPOSIS 1, ATTENUATED; POLYPOSIS, ADENOMATOUS INTESTINAL. Identifiers: MedGen C2713442, MONDO:0021056, OMIM 175100. Disease mechanism: loss of function.

Allele frequency attached by ClinVar (database versions not stated): gnomAD 0.00001.
gnomAD v4.1: 1 of 1,613,818 alleles (0.000062%); highest among the groups gnomAD compares: African/African-American, 0.0013%; no homozygotes.

Submissions (3):

Labcorp Genetics (formerly Invitae), Labcorp
Classification: Uncertain significance for Familial adenomatous polyposis 1. Last evaluated: 2024-10-20. Review status: criteria provided, single submitter. Criteria: Invitae Variant Classification Sherloc (09022015). Collection method: clinical testing. Allele origin: germline.
Comment: This sequence change replaces leucine, which is neutral and non-polar, with proline, which is neutral and non-polar, at codon 1874 of the APC protein (p.Leu1874Pro). This variant is not present in population databases (gnomAD no frequency). This variant has not been reported in the literature in individuals affected with APC-related conditions. ClinVar contains an entry for this variant (Variation ID: 1748706). Invitae Evidence Modeling of protein sequence and biophysical properties (such as structural, functional, and spatial information, amino acid conservation, physicochemical variation, residue mobility, and thermodynamic stability) indicates that this missense variant is not expected to disrupt APC protein function with a negative predictive value of 95%. In summary, the available evidence is currently insufficient to determine the role of this variant in disease. Therefore, it has been classified as a Variant of Uncertain Significance.

Color Diagnostics, LLC DBA Color Health
Classification: Uncertain significance for Hereditary cancer-predisposing syndrome. Last evaluated: 2024-08-05. Review status: criteria provided, single submitter. Criteria: ACMG Guidelines, 2015. Collection method: clinical testing. Allele origin: germline.
Comment: This missense variant replaces leucine with proline at codon 1874 of the APC protein. Computational prediction suggests that this variant may not impact protein structure and function (internally defined REVEL score threshold <= 0.5, PMID: 27666373). To our knowledge, functional studies have not been reported for this variant. This variant has not been reported in individuals affected with APC-related disorders in the literature. This variant has not been identified in the general population by the Genome Aggregation Database (gnomAD). The available evidence is insufficient to determine the role of this variant in disease conclusively. Therefore, this variant is classified as a Variant of Uncertain Significance.

Ambry Genetics
Classification: Uncertain significance for Hereditary cancer-predisposing syndrome. Last evaluated: 2024-03-06. Review status: criteria provided, single submitter. Criteria: Ambry Variant Classification Scheme 2023. Collection method: clinical testing. Allele origin: germline.
Comment: The p.L1874P variant (also known as c.5621T>C), located in coding exon 15 of the APC gene, results from a T to C substitution at nucleotide position 5621. The leucine at codon 1874 is replaced by proline, an amino acid with similar properties. This amino acid position is well conserved in available vertebrate species. In addition, in silico predictors for this gene do not accurately predict pathogenicity. Since supporting evidence is limited at this time, the clinical significance of this alteration remains unclear.